The following is an entry in ClinVar:

ClinVar aggregate classification (germline): Uncertain significance. Review status: criteria provided, multiple submitters, no conflicts (2 of 4 stars). 2 submissions from 2 submitters: Uncertain significance (2). Last evaluated 2024-03-29.

Conditions:
Hypertrophic cardiomyopathy 10. Also called: CARDIOMYOPATHY, HYPERTROPHIC, MID-LEFT VENTRICULAR CHAMBER TYPE, 2; MYL2-Related Familial Hypertrophic Cardiomyopathy. Identifiers: MedGen C1834460, MONDO:0012112, OMIM 608758.
Cardiomyopathy (CMYO). Also called: Cardiomyopathies. Identifiers: Orphanet 167848, MedGen C0878544, MONDO:0004994, HP:0001638. Inheritance: Various modes of inheritance.

Allele frequency attached by ClinVar (database versions not stated): gnomAD 0.00001.
gnomAD v4.1: 1 of 1,613,842 alleles (0.000062%); highest among the groups gnomAD compares: African/African-American, 0.0013%; no homozygotes.

Submissions (2):

Labcorp Genetics (formerly Invitae), Labcorp
Classification: Uncertain significance for Hypertrophic cardiomyopathy 10. Last evaluated: 2024-03-29. Review status: criteria provided, single submitter. Criteria: Invitae Variant Classification Sherloc (09022015). Collection method: clinical testing. Allele origin: germline.
Comment: This sequence change replaces isoleucine, which is neutral and non-polar, with valine, which is neutral and non-polar, at codon 158 of the MYL2 protein (p.Ile158Val). This variant is not present in population databases (gnomAD no frequency). This variant has not been reported in the literature in individuals affected with MYL2-related conditions. ClinVar contains an entry for this variant (Variation ID: 925736). Algorithms developed to predict the effect of missense changes on protein structure and function output the following: SIFT: "Not Available"; PolyPhen-2: "Benign"; Align-GVGD: "Not Available". The valine amino acid residue is found in multiple mammalian species, which suggests that this missense change does not adversely affect protein function. In summary, the available evidence is currently insufficient to determine the role of this variant in disease. Therefore, it has been classified as a Variant of Uncertain Significance.

Color Diagnostics, LLC DBA Color Health
Classification: Uncertain significance for Cardiomyopathy. Last evaluated: 2024-03-06. Review status: criteria provided, single submitter. Criteria: ACMG Guidelines, 2015. Collection method: clinical testing. Allele origin: germline.
Comment: This missense variant replaces isoleucine with valine at codon 158 of the MYL2 protein. Computational prediction suggests that this variant may not impact protein structure and function (internally defined REVEL score threshold <= 0.5, PMID: 27666373). Splice site prediction tools suggest that this variant may not impact RNA splicing. To our knowledge, functional studies have not been reported for this variant. This variant has not been reported in individuals affected with cardiovascular disorders in the literature. This variant has not been identified in the general population by the Genome Aggregation Database (gnomAD). The available evidence is insufficient to determine the role of this variant in disease conclusively. Therefore, this variant is classified as a Variant of Uncertain Significance.

NM_000432.4(MYL2):c.472A>G (p.Ile158Val)

Gene: MYL2 (myosin light chain 2; minus strand). Cytogenetic location: 12q24.11.
Variant type: single nucleotide variant.
Coding change: c.472A>G on transcript NM_000432.4 (MANE Select); coding-DNA position 472, A replaced by G.
Protein change: p.Ile158Val; replaces isoleucine 158 with valine.
Molecular consequence: missense variant.
Genome position (GRCh38, 1-based): chr12:110,911,106, T>C on the plus strand (A>G on the coding strand, the complement: MYL2 is on the minus strand). VCF-style: chr12-110911106-T-C. GRCh37 (hg19) VCF-style: chr12-111348910-T-C.
Other names: short protein forms I158V.
Identifiers: ClinVar variation 925736 (VCV000925736.13), dbSNP rs2071648139, ClinGen allele CA386696740.